The following is an entry in ClinVar:

ClinVar aggregate classification (germline): Conflicting classifications of pathogenicity. Review status: criteria provided, conflicting classifications (1 of 4 stars). 6 submissions from 6 submitters: Uncertain significance (2); Benign (1); Likely benign (3). Last evaluated 2025-11-11.

Conditions:
Familial thoracic aortic aneurysm and aortic dissection (TAAD). Also called: Thoracic aortic aneurysms and dissections. Identifiers: Orphanet 91387, MedGen C4707243, MONDO:0019625.
Shprintzen-Goldberg syndrome (SGS). Also called: SHPRINTZEN-GOLDBERG CRANIOSYNOSTOSIS SYNDROME; CRANIOSYNOSTOSIS WITH ARACHNODACTYLY AND ABDOMINAL HERNIAS; Marfanoid disorder with craniosynostosis type 1; Marfanoid craniosynostosis syndrome; Shprintzen-Goldberg marfanoid syndrome. Identifiers: Orphanet 2462, MedGen C1321551, MONDO:0008426, OMIM 182212.

Allele frequency attached by ClinVar (database versions not stated): gnomAD 0.00005; gnomAD exomes 0.00005 and 0.00006; ExAC 0.00007; ESP Exome Variant Server 0.00008; TOPMed 0.00008.
gnomAD v4.1: 76 of 1,612,204 alleles (0.0047%); highest among the groups gnomAD compares: Middle Eastern, 0.017%; no homozygotes.

Submissions (6):

Labcorp Genetics (formerly Invitae), Labcorp
Classification: Likely benign for Shprintzen-Goldberg syndrome. Last evaluated: 2025-11-11. Review status: criteria provided, single submitter. Criteria: Invitae Variant Classification Sherloc (09022015). Collection method: clinical testing. Allele origin: germline.

Mayo Clinic Laboratories, Mayo Clinic
Classification: Likely benign. Last evaluated: 2025-01-02. Review status: criteria provided, single submitter. Criteria: ACMG Guidelines, 2015. Collection method: clinical testing. Allele origin: germline. Observed: 1 variant allele.
Comment: BP4, BP7

Ambry Genetics
Classification: Uncertain significance for Familial thoracic aortic aneurysm and aortic dissection. Last evaluated: 2017-09-30. Review status: criteria provided, single submitter. Criteria: Ambry Variant Classification Scheme 2023. Collection method: clinical testing. Allele origin: germline.
Comment: The c.1212-8C>T intronic alteration consists of a C to T substitution 8 nucleotides before coding exon 4 in the SKI gene. Based on insufficient or conflicting evidence, the clinical significance of this alteration remains unclear.

CeGaT Center for Human Genetics Tuebingen
Classification: Uncertain significance. Last evaluated: 2016-08-01. Review status: criteria provided, single submitter. Criteria: CeGaT Center For Human Genetics Tuebingen Variant Classification Criteria Version 2. Collection method: clinical testing. Allele origin: germline. Affected: yes. Observed: 1 variant allele.

GeneDx
Classification: Benign. Last evaluated: 2015-04-15. Review status: criteria provided, single submitter. Criteria: GeneDx Variant Classification (06012015). Collection method: clinical testing. Allele origin: germline. Affected: yes.
Comment: This variant is considered likely benign or benign based on one or more of the following criteria: it is a conservative change, it occurs at a poorly conserved position in the protein, it is predicted to be benign by multiple in silico algorithms, and/or has population frequency not consistent with disease.

PreventionGenetics, part of Exact Sciences
Classification: Likely benign. Review status: criteria provided, single submitter. Criteria: ACMG Guidelines, 2015. Collection method: clinical testing. Allele origin: germline.

NM_003036.4(SKI):c.1212-8C>T

Gene: SKI (SKI proto-oncogene; plus strand). Cytogenetic location: 1p36.32.
Variant type: single nucleotide variant.
Coding change: c.1212-8C>T on transcript NM_003036.4 (MANE Select); 8 bases into the intron before coding-DNA position 1212, C replaced by T.
Molecular consequence: intron variant.
Genome position (GRCh38, 1-based): chr1:2,303,832, C>T. VCF-style: chr1-2303832-C-T. GRCh37 (hg19) VCF-style: chr1-2235271-C-T.
Other names: p.?.
Identifiers: ClinVar variation 213671 (VCV000213671.54), dbSNP rs370921440, ClinGen allele CA323988.
Genomic context (GRCh38, chr1:2,303,832, plus strand): 5'-GCGCCAGGATGTGTCTGGGTGGTGCTTGGGGACAGAGGCACCTTCCCGACACCCGCCTGC[C>T]CCTCCAGCTTCTACTCCTACAAGAGCTTTGAGACAGCCGTGGCGCCCAACGTGGCCCTCG-3'